The following is an entry in ClinVar:

NM_003322.6(TULP1):c.1268T>C (p.Val423Ala)

Gene: TULP1 (TUB like protein 1; minus strand). Cytogenetic location: 6p21.31.
Variant type: single nucleotide variant.
Coding change: c.1268T>C on transcript NM_003322.6 (MANE Select); coding-DNA position 1268, T replaced by C.
Protein change: p.Val423Ala; replaces valine 423 with alanine.
Molecular consequence: missense variant.
Genome position (GRCh38, 1-based): chr6:35,503,614, A>G on the plus strand (T>C on the coding strand, the complement: TULP1 is on the minus strand). VCF-style: chr6-35503614-A-G. GRCh37 (hg19) VCF-style: chr6-35471391-A-G.
Other names: c.1109T>C, p.Val370Ala (NM_001289395.2); short protein forms V423A, V370A.
Identifiers: ClinVar variation 444681 (VCV000444681.36), dbSNP rs1554125521, ClinGen allele CA363779143.

ClinVar aggregate classification (germline): Pathogenic/Likely pathogenic. Review status: criteria provided, multiple submitters, no conflicts (2 of 4 stars). 3 submissions from 3 submitters: Pathogenic (1); Likely pathogenic (2). Last evaluated 2024-06-13.

Conditions:
Retinitis pigmentosa 14 (RP14). Also called: RETINITIS PIGMENTOSA, JUVENILE, TULP1-RELATED. Identifiers: Orphanet 791, MedGen C1838603, MONDO:0010827, OMIM 600132.
Retinitis pigmentosa (RP). Identifiers: Orphanet 791, MedGen C0035334, MeSH D012174, MONDO:0019200, OMIM 268000. Inheritance: Autosomal dominant, autosomal recessive and X linked inheritance.

Allele frequency attached by ClinVar (database versions not stated): gnomAD exomes below 0.00001.

Submissions (3):

3billion
Classification: Likely pathogenic for Retinitis pigmentosa 14. Last evaluated: 2024-06-13. Review status: criteria provided, single submitter. Criteria: ACMG Guidelines, 2015. Collection method: clinical testing. Allele origin: germline. Affected: yes.
Comment: The variant is observed at an extremely low frequency in the gnomAD v4.0.0 dataset (total allele frequency: <0.001%). Predicted Consequence/Location: Missense variant In silico tool predictions suggest damaging effect of the variant on gene or gene product [REVEL: 0.94 (>=0.6, sensitivity 0.68 and specificity 0.92); 3Cnet: 0.75 (>=0.6, sensitivity 0.72 and precision 0.9)]. The same nucleotide change resulting in the same amino acid change has been previously reported as pathogenic/likely pathogenic with strong evidence (ClinVar ID: VCV000444681). Therefore, this variant is classified as Likely pathogenic according to the recommendation of ACMG/AMP guideline.

CeGaT Center for Human Genetics Tuebingen
Classification: Likely pathogenic. Last evaluated: 2021-09-01. Review status: criteria provided, single submitter. Criteria: CeGaT Center For Human Genetics Tuebingen Variant Classification Criteria Version 2. Collection method: clinical testing. Allele origin: germline. Affected: yes. Observed: 1 variant allele.

Molecular Genetics Laboratory, Institute for Ophthalmic Research
Classification: Pathogenic for Retinitis pigmentosa. Last evaluated: 2020-01-09. Review status: criteria provided, single submitter. Criteria: ACMG Guidelines, 2015. Collection method: research. Allele origin: germline. Affected: yes.